The following is an entry in ClinVar:

ClinVar aggregate classification (germline): Pathogenic. Review status: criteria provided, multiple submitters, no conflicts (2 of 4 stars). 3 submissions from 3 submitters: Pathogenic (2). 1 of the submissions does not count toward it. Last evaluated 2024-03-17.

Conditions:
Mitochondrial DNA depletion syndrome 13. Also called: FBXL4-Related Encephalomyopathic Mitochondrial DNA Depletion Syndrome; Mitochondrial DNA depletion syndrome 13 (encephalomyopathic type). Identifiers: Orphanet 369897, MedGen C3809592, MONDO:0014198, OMIM 615471.

Submissions (3):

Genomic Medicine Center of Excellence, King Faisal Specialist Hospital and Research Centre
Classification: Pathogenic for Mitochondrial DNA depletion syndrome 13. Last evaluated: 2024-03-17. Review status: criteria provided, single submitter. Criteria: ACMG Guidelines, 2015. Collection method: research. Allele origin: germline.

Wong Mito Lab, Molecular and Human Genetics, Baylor College of Medicine
Classification: Pathogenic for Mitochondrial DNA depletion syndrome 13. Last evaluated: 2017-08-10. Review status: criteria provided, single submitter. Criteria: ACMG Guidelines, 2015. Collection method: clinical testing. Allele origin: germline. Affected: yes.
Comment: The NM_012160.4:c.219T>A (NP_036292.2:p.Tyr73Ter) [GRCH38: NC_000006.12:g.98926770A>T] variant in FBXL4 gene is interpretated to be a Pathogenic based on ACMG guidelines (PMID: 25741868). This variant has been reported in PMID:27743463 . This variant meets one or more of the following evidence codes reported in the ACMG-guideline. PVS1:This variant is a predcted null variant in FBXL4 where loss of function is a known mechanism of disease. PM2:This variant is absent in key population databases. PP4:Patientâ€™s phenotype or family history is highly specific for FBXL4. PP5:Reputable source(s) suggest that the variant is pathogenic. Based on this evidence code ClinGen Pathogenicity Calculator (PMID:28081714) suggested that the variant is Pathogenic.

Biochemical Molecular Genetic Laboratory, King Abdulaziz Medical City
Classification: Likely pathogenic for Mitochondrial DNA depletion syndrome 13. Last evaluated: 2019-09-26. Review status: no assertion criteria provided. Collection method: clinical testing. Allele origin: germline. Affected: yes. Not counted in ClinVar's aggregate classification.

Literature cited by the submitters: PubMed 27743463 (cited by Wong Mito Lab, Molecular and Human Genetics, Baylor College of Medicine).

NM_001278716.2(FBXL4):c.219T>A (p.Tyr73Ter)

Gene: FBXL4 (F-box and leucine rich repeat protein 4; minus strand). Cytogenetic location: 6q16.2.
Variant type: single nucleotide variant.
Coding change: c.219T>A on transcript NM_001278716.2 (MANE Select); coding-DNA position 219, T replaced by A.
Protein change: p.Tyr73Ter; replaces tyrosine 73 with a stop codon.
Molecular consequence: nonsense. On other transcripts: non-coding transcript variant (2).
Genome position (GRCh38, 1-based): chr6:98,926,770, A>T on the plus strand (T>A on the coding strand, the complement: FBXL4 is on the minus strand). VCF-style: chr6-98926770-A-T. GRCh37 (hg19) VCF-style: chr6-99374646-A-T.
Other names: c.219T>A, p.Tyr73Ter (NM_012160.5); short protein forms Y73*.
Identifiers: ClinVar variation 437489 (VCV000437489.4), dbSNP rs747536886, ClinGen allele CA16021025.